The following continues an entry in ClinVar:

NM_183357.3(ADCY5):c.1252C>T (p.Arg418Trp)

Gene: ADCY5. ClinVar aggregate classification (germline): Pathogenic. Pathogenic (14).

Submissions 14 to 20 of 20:

Clinical Genetics Service, Universitary Hospital 12 de Octubre
Classification: Pathogenic for Dyskinesia with orofacial involvement, autosomal dominant. Review status: criteria provided, single submitter. Criteria: ACMG Guidelines, 2015. Collection method: clinical testing. Allele origin: germline. Affected: yes.

OMIM
Classification: Pathogenic for DYSKINESIA WITH OROFACIAL INVOLVEMENT, AUTOSOMAL DOMINANT. Last evaluated: 2014-04-01. Review status: no assertion criteria provided. Collection method: literature only. Allele origin: unknown. Not counted in ClinVar's aggregate classification.

Diagnostic Laboratory, Department of Genetics, University Medical Center Groningen
Classification: Pathogenic. Review status: no assertion criteria provided. Collection method: clinical testing. Allele origin: germline. Affected: yes. Study: VKGL Data-share Consensus. Not counted in ClinVar's aggregate classification.

GeneReviews
No classification provided. Condition: Dyskinesia with orofacial involvement, autosomal dominant. Review status: no classification provided. Collection method: literature only. Allele origin: germline. Affected: yes. Not counted in ClinVar's aggregate classification.

Genome Diagnostics Laboratory, Amsterdam University Medical Center
Classification: Pathogenic. Review status: no assertion criteria provided. Collection method: clinical testing. Allele origin: germline. Affected: yes. Study: VKGL Data-share Consensus. Not counted in ClinVar's aggregate classification.

Genomics England Pilot Project, Genomics England
Classification: Likely pathogenic for Dyskinesia with orofacial involvement, autosomal dominant. Review status: no assertion criteria provided. Criteria: ACGS Guidelines, 2016. Collection method: clinical testing. Allele origin: germline. Affected: yes. Not counted in ClinVar's aggregate classification.

Joint Genome Diagnostic Labs from Nijmegen and Maastricht, Radboudumc and MUMC+
Classification: Pathogenic. Review status: no assertion criteria provided. Collection method: clinical testing. Allele origin: germline. Affected: yes. Study: VKGL Data-share Consensus. Not counted in ClinVar's aggregate classification.

Literature cited by the submitters: PubMed 26537056 (cited by 3billion and Ambry Genetics); PubMed 24700542 (cited by 6 submitters); PubMed 30772269 (cited by 3billion); PubMed 26085604 (cited by 3 submitters); PubMed 28442302 (cited by Victorian Clinical Genetics Services, Murdoch Childrens Research Institute); PubMed 28511835 (cited by Victorian Clinical Genetics Services, Murdoch Childrens Research Institute and Ambry Genetics); PubMed 28971144 (cited by Victorian Clinical Genetics Services, Murdoch Childrens Research Institute); PubMed 30975617 (cited by Victorian Clinical Genetics Services, Murdoch Childrens Research Institute); PubMed 32713175 (cited by Victorian Clinical Genetics Services, Murdoch Childrens Research Institute and OMIM); PubMed 25790160 (cited by Ambry Genetics); PubMed 26686870 (cited by Ambry Genetics); PubMed 27061943 (cited by Ambry Genetics); PubMed 25326635 (cited by Baylor Genetics); PubMed 11310626 (cited by GeneReviews); NCBI Bookshelf NBK263441 (cited by GeneReviews).